The following is an entry in ClinVar:

ClinVar aggregate classification (germline): Conflicting classifications of pathogenicity. Review status: criteria provided, conflicting classifications (1 of 4 stars). 10 submissions from 10 submitters: Uncertain significance (2); Likely benign (7). 1 of the submissions does not count toward it. Last evaluated 2025-11-27.

Conditions:
Marfan syndrome (MFS). Also called: FBN1-Related Marfan Syndrome; Marfan syndrome, classic; MARFAN SYNDROME, TYPE I; Marfan syndrome type 1; Marfan's syndrome. Identifiers: Orphanet 284963, Orphanet 558, MedGen C0024796, MONDO:0007947, OMIM 154700.
Familial thoracic aortic aneurysm and aortic dissection (TAAD). Also called: Thoracic aortic aneurysms and dissections. Identifiers: Orphanet 91387, MedGen C4707243, MONDO:0019625.

Allele frequency attached by ClinVar (database versions not stated): gnomAD 0.00003; TOPMed 0.00003; ESP Exome Variant Server 0.00008.
gnomAD v4.1: 48 of 1,613,856 alleles (0.003%); highest among the groups gnomAD compares: Non-Finnish European, 0.0036%; no homozygotes.

Submissions (10):

Labcorp Genetics (formerly Invitae), Labcorp
Classification: Likely benign for Marfan syndrome; Familial thoracic aortic aneurysm and aortic dissection. Last evaluated: 2025-11-27. Review status: criteria provided, single submitter. Criteria: Invitae Variant Classification Sherloc (09022015). Collection method: clinical testing. Allele origin: germline.

Women's Health and Genetics/Laboratory Corporation of America, LabCorp
Classification: Likely benign. Last evaluated: 2025-10-05. Review status: criteria provided, single submitter. Criteria: LabCorp Variant Classification Summary - May 2015. Collection method: clinical testing. Allele origin: germline.

Ambry Genetics
Classification: Uncertain significance for Familial thoracic aortic aneurysm and aortic dissection. Last evaluated: 2025-05-21. Review status: criteria provided, single submitter. Criteria: Ambry Variant Classification Scheme 2023. Collection method: clinical testing. Allele origin: germline.
Comment: The c.378A>G variant (also known as p.G126G), located in coding exon 4 of the FBN1 gene, results from an A to G substitution at nucleotide position 378. This nucleotide substitution does not change the amino acid at codon 126. This variant was detected in a cohort of individuals with features consistent with Marfan syndrome (Lerner-Ellis JP et al. Mol Genet Metab, 2014 Jun;112:171-6). This nucleotide position is not well conserved in available vertebrate species. In silico splice site analysis for this alteration is inconclusive. Based on the available evidence, the clinical significance of this variant remains unclear.

Blueprint Genetics
Classification: Likely benign. Last evaluated: 2024-10-28. Review status: criteria provided, single submitter. Criteria: ACMG Guidelines, 2015. Collection method: clinical testing. Allele origin: germline.

ARUP Laboratories, Molecular Genetics and Genomics, ARUP Laboratories
Classification: Likely benign. Last evaluated: 2024-01-15. Review status: criteria provided, single submitter. Criteria: ARUP Molecular Germline Variant Investigation Process 2024. Collection method: clinical testing. Allele origin: germline.

All of Us Research Program, National Institutes of Health
Classification: Likely benign for Marfan syndrome. Last evaluated: 2023-12-18. Review status: criteria provided, single submitter. Criteria: ACMG Guidelines, 2015. Collection method: clinical testing. Allele origin: germline. Inheritance: Autosomal dominant inheritance. Observed: 8 variant alleles, 8 heterozygotes.
Comment: This study involves interpretation of variants in research participants for the purpose of population health screening. Participant phenotype was not available at the time of variant classification. Additional details can be found in publication PMID: 35346344, PMCID: PMC8962531

CHEO Genetics Diagnostic Laboratory, Children's Hospital of Eastern Ontario
Classification: Uncertain significance for Familial thoracic aortic aneurysm and aortic dissection. Last evaluated: 2021-04-06. Review status: criteria provided, single submitter. Criteria: ACMG Guidelines, 2015. Collection method: clinical testing. Allele origin: germline.

GeneDx
Classification: Likely benign. Last evaluated: 2020-08-04. Review status: criteria provided, single submitter. Criteria: GeneDx Variant Classification Process June 2021. Collection method: clinical testing. Allele origin: germline. Affected: yes.

Color Diagnostics, LLC DBA Color Health
Classification: Likely benign for Familial thoracic aortic aneurysm and aortic dissection. Last evaluated: 2019-05-04. Review status: criteria provided, single submitter. Criteria: ACMG Guidelines, 2015. Collection method: clinical testing. Allele origin: germline.

Laboratory for Molecular Medicine, Mass General Brigham Personalized Medicine
Classification: Uncertain significance. Last evaluated: 2008-06-10. Review status: no assertion criteria provided. Collection method: clinical testing. Allele origin: germline. Observed: 1 variant allele. Not counted in ClinVar's aggregate classification.

Literature cited by the submitters: PubMed 24793577 (cited by Ambry Genetics).

NM_000138.5(FBN1):c.378A>G (p.Gly126=)

Gene: FBN1 (fibrillin 1; minus strand). Cytogenetic location: 15q21.1.
Variant type: single nucleotide variant.
Coding change: c.378A>G on transcript NM_000138.5 (MANE Select); coding-DNA position 378, A replaced by G.
Protein change: p.Gly126=; no amino-acid change (glycine 126 retained).
Molecular consequence: synonymous variant.
Genome position (GRCh38, 1-based): chr15:48,600,203, T>C on the plus strand (A>G on the coding strand, the complement: FBN1 is on the minus strand). VCF-style: chr15-48600203-T-C. GRCh37 (hg19) VCF-style: chr15-48892400-T-C.
Identifiers: ClinVar variation 42342 (VCV000042342.26), dbSNP rs149611106, ClinGen allele CA014543.